The following is an entry in ClinVar:

ClinVar aggregate classification (germline): Benign. Review status: criteria provided, multiple submitters, no conflicts (2 of 4 stars). 9 submissions from 9 submitters: Benign (8). 1 of the submissions does not count toward it. Last evaluated 2026-02-04.

Conditions:
Fraser syndrome 3. Identifiers: MedGen C4540040, MONDO:0054739, OMIM 617667.
Fraser syndrome 1 (FRASRS1). Also called: CRYPTOPHTHALMOS WITH OTHER MALFORMATIONS. Identifiers: Orphanet 2052, MedGen C4551480, MONDO:0054737, OMIM 219000.

Allele frequency attached by ClinVar (database versions not stated): gnomAD exomes 0.63140 and 0.64704; ExAC 0.65231; gnomAD 0.67684 and 0.67743; TOPMed 0.68510; ESP Exome Variant Server 0.68520; 1000 Genomes Project 0.71705; 1000 Genomes Project 30x 0.72158.
gnomAD v4.1: 1,023,849 of 1,609,018 alleles (64%); highest among the groups gnomAD compares: African/African-American, 80%; 328,366 homozygotes.

Submissions (9):

Labcorp Genetics (formerly Invitae), Labcorp
Classification: Benign. Last evaluated: 2026-02-04. Review status: criteria provided, single submitter. Criteria: Invitae Variant Classification Sherloc (09022015). Collection method: clinical testing. Allele origin: germline.

Blueprint Genetics
Classification: Benign. Last evaluated: 2024-11-27. Review status: criteria provided, single submitter. Criteria: ACMG Guidelines, 2015. Collection method: clinical testing. Allele origin: germline.

Mayo Clinic Laboratories, Mayo Clinic
Classification: Benign. Last evaluated: 2022-03-09. Review status: criteria provided, single submitter. Criteria: ACMG Guidelines, 2015. Collection method: clinical testing. Allele origin: germline. Observed: 67 variant alleles.

Genome-Nilou Lab
Classification: Benign for Fraser syndrome 3. Last evaluated: 2021-08-10. Review status: criteria provided, single submitter. Criteria: ACMG Guidelines, 2015. Collection method: clinical testing. Allele origin: germline. Affected: no.

Illumina Laboratory Services, Illumina
Classification: Benign for Fraser syndrome 3. Last evaluated: 2018-01-12. Review status: criteria provided, single submitter. Criteria: ICSL Variant Classification Criteria 13 December 2019. Collection method: clinical testing. Allele origin: germline.
Comment: This variant was observed in the ICSL laboratory as part of a predisposition screen in an ostensibly healthy population. It had not been previously curated by ICSL or reported in the Human Gene Mutation Database (HGMD: prior to June 1st, 2018), and was therefore a candidate for classification through an automated scoring system. Utilizing variant allele frequency, disease prevalence and penetrance estimates, and inheritance mode, an automated score was calculated to assess if this variant is too frequent to cause the disease. Based on the score and internal cut-off values, a variant classified as benign is not then subjected to further curation. The score for this variant resulted in a classification of benign for this disease.

Genome Diagnostics Laboratory, University Medical Center Utrecht
Classification: Benign for Fraser syndrome 1. Last evaluated: 2014-10-09. Review status: criteria provided, single submitter. Criteria: ACGS Guidelines, 2013. Collection method: clinical testing. Allele origin: germline. Affected: yes. Study: VKGL Data-share Consensus.

Breakthrough Genomics
Classification: Benign. Review status: criteria provided, single submitter. Criteria: ACMG Guidelines, 2015. Collection method: not provided. Allele origin: germline. Inheritance: Autosomal recessive inheritance. Affected: yes.

PreventionGenetics, part of Exact Sciences
Classification: Benign. Review status: criteria provided, single submitter. Criteria: ACMG Guidelines, 2015. Collection method: clinical testing. Allele origin: germline.

Diagnostic Laboratory, Department of Genetics, University Medical Center Groningen
Classification: Benign for Fraser syndrome 1. Review status: no assertion criteria provided. Collection method: clinical testing. Allele origin: germline. Affected: yes. Study: VKGL Data-share Consensus. Not counted in ClinVar's aggregate classification.

NM_001366722.1(GRIP1):c.724+10G>A

Gene: GRIP1 (glutamate receptor interacting protein 1; minus strand). Cytogenetic location: 12q14.3.
Variant type: single nucleotide variant.
Coding change: c.724+10G>A on transcript NM_001366722.1 (MANE Select); 10 bases into the intron after coding-DNA position 724, G replaced by A.
Molecular consequence: intron variant.
Genome position (GRCh38, 1-based): chr12:66,515,609, C>T on the plus strand (G>A on the coding strand, the complement: GRIP1 is on the minus strand). VCF-style: chr12-66515609-C-T. GRCh37 (hg19) VCF-style: chr12-66909389-C-T.
Other names: p.?; c.802+10G>A (NM_001366723.1, NM_001366724.1); c.724+10G>A (NM_001178074.2, NM_021150.4).
Identifiers: ClinVar variation 261413 (VCV000261413.19), dbSNP rs12316942, ClinGen allele CA6674563.